The following is an entry in ClinVar:

ClinVar aggregate classification (germline): Pathogenic (1 of 4 stars; one submission).

Submission:

Labcorp Genetics (formerly Invitae), Labcorp
Classification: Pathogenic. Last evaluated: 2023-12-05. Review status: criteria provided, single submitter. Criteria: Invitae Variant Classification Sherloc (09022015). Collection method: clinical testing. Allele origin: germline.
Comment: This sequence change creates a premature translational stop signal (p.Glu79Argfs*24) in the SNAP29 gene. It is expected to result in an absent or disrupted protein product. Loss-of-function variants in SNAP29 are known to be pathogenic (PMID: 15968592, 21073448). This variant is not present in population databases (gnomAD no frequency). This variant has not been reported in the literature in individuals affected with SNAP29-related conditions. For these reasons, this variant has been classified as Pathogenic.

Literature cited by the submitters: PubMed 15968592; PubMed 21073448.

NM_004782.4(SNAP29):c.234del (p.Glu79fs)

Gene: SNAP29 (synaptosome associated protein 29; plus strand). Cytogenetic location: 22q11.21.
Variant type: Deletion.
Coding change: c.234del on transcript NM_004782.4 (MANE Select); coding-DNA position 234, one base deleted (C; older notation c.234delC).
Protein change: p.Glu79fs; shifts the reading frame from glutamic acid 79.
Molecular consequence: frameshift variant.
Genome position (GRCh38, 1-based): chr22:20,859,344, C deleted; the last of 2 consecutive C bases (chr22:20,859,343-20,859,344); deleting either gives the same sequence. VCF-style (leftmost placement, unchanged base first): chr22-20859342-TC-T. GRCh37 (hg19) VCF-style: chr22-21213630-TC-T.
Other names: short protein forms E79fs.
Identifiers: ClinVar variation 2759547 (VCV002759547.3), dbSNP rs759792044, ClinGen allele CA10117043.